The following is an entry in ClinVar:

NM_002485.5(NBN):c.1194A>C (p.Gln398His)

Gene: NBN (nibrin; minus strand). Cytogenetic location: 8q21.3.
Variant type: single nucleotide variant.
Coding change: c.1194A>C on transcript NM_002485.5 (MANE Select); coding-DNA position 1194, A replaced by C.
Protein change: p.Gln398His; replaces glutamine 398 with histidine.
Molecular consequence: missense variant.
Genome position (GRCh38, 1-based): chr8:89,955,486, T>G on the plus strand (A>C on the coding strand, the complement: NBN is on the minus strand). VCF-style: chr8-89955486-T-G. GRCh37 (hg19) VCF-style: chr8-90967714-T-G.
Other names: c.948A>C, p.Gln316His (NM_001024688.3); short protein forms Q398H, Q316H.
Identifiers: ClinVar variation 490044 (VCV000490044.23), dbSNP rs200046373, ClinGen allele CA4802782.

ClinVar aggregate classification (germline): Uncertain significance. Review status: criteria provided, multiple submitters, no conflicts (2 of 4 stars). 7 submissions from 7 submitters: Uncertain significance (6). 1 of the submissions does not count toward it. Last evaluated 2024-12-09.

Conditions:
Hereditary cancer-predisposing syndrome. Also called: Tumor predisposition; Neoplastic Syndromes, Hereditary; Hereditary Cancer Syndrome; Hereditary neoplastic syndrome. Identifiers: Orphanet 140162, MedGen C0027672, MeSH D009386, MONDO:0015356.
Microcephaly, normal intelligence and immunodeficiency (NBS). Also called: BERLIN BREAKAGE SYNDROME; Ataxia telangiectasia variant V1; IMMUNODEFICIENCY, MICROCEPHALY, AND CHROMOSOMAL INSTABILITY; SEEMANOVA SYNDROME II; Immunodeficiency, microcephaly with normal intelligence; Nijmegen breakage syndrome. Identifiers: Orphanet 647, MedGen C0398791, MONDO:0009623, OMIM 251260.
Aplastic anemia. Identifiers: Orphanet 182040, Orphanet 88, MedGen C0002874, MONDO:0015909, OMIM 609135, HP:0001915.

Allele frequency attached by ClinVar (database versions not stated): ExAC 0.00002; 1000 Genomes Project 30x 0.00016; 1000 Genomes Project 0.00020; gnomAD 0.00001; TOPMed 0.00001.
gnomAD v4.1: 3 of 1,613,682 alleles (0.00019%); highest among the groups gnomAD compares: Non-Finnish European, 0.00025%; no homozygotes.

Submissions (7):

Institute for Biomarker Research, Medical Diagnostic Laboratories, L.L.C.
Classification: Uncertain significance for Hereditary cancer-predisposing syndrome. Last evaluated: 2024-12-09. Review status: criteria provided, single submitter. Criteria: ACMG Guidelines, 2015. Collection method: clinical testing. Allele origin: germline.
Comment: The missense variant NM_002485.5(NBN):c.1194A>C (p.Gln398His) has not been reported previously as a pathogenic variant. The p.Gln398His variant is observed in 1/5,008 (0.02%) alleles from individuals of 1kG All background in 1kG. There is a small physicochemical difference between glutamine and histidine, which is not likely to impact secondary protein structure as these residues share similar properties. For these reasons, this variant has been classified as Uncertain Significance.

Baylor Genetics
Classification: Uncertain significance for Aplastic anemia. Last evaluated: 2023-09-01. Review status: criteria provided, single submitter. Criteria: ACMG Guidelines, 2015. Collection method: clinical testing. Allele origin: unknown.

Ambry Genetics
Classification: Uncertain significance for Hereditary cancer-predisposing syndrome. Last evaluated: 2023-01-04. Review status: criteria provided, single submitter. Criteria: Ambry Variant Classification Scheme 2023. Collection method: clinical testing. Allele origin: germline.
Comment: The p.Q398H variant (also known as c.1194A>C), located in coding exon 10 of the NBN gene, results from an A to C substitution at nucleotide position 1194. The glutamine at codon 398 is replaced by histidine, an amino acid with highly similar properties. This amino acid position is not well conserved in available vertebrate species. In addition, this alteration is predicted to be tolerated by in silico analysis. Since supporting evidence is limited at this time, the clinical significance of this alteration remains unclear.

Labcorp Genetics (formerly Invitae), Labcorp
Classification: Uncertain significance for Microcephaly, normal intelligence and immunodeficiency. Last evaluated: 2022-06-11. Review status: criteria provided, single submitter. Criteria: Invitae Variant Classification Sherloc (09022015). Collection method: clinical testing. Allele origin: germline.
Comment: This sequence change replaces glutamine, which is neutral and polar, with histidine, which is basic and polar, at codon 398 of the NBN protein (p.Gln398His). This variant is present in population databases (rs200046373, gnomAD 0.002%). This variant has not been reported in the literature in individuals affected with NBN-related conditions. ClinVar contains an entry for this variant (Variation ID: 490044). Algorithms developed to predict the effect of missense changes on protein structure and function (SIFT, PolyPhen-2, Align-GVGD) all suggest that this variant is likely to be tolerated. In summary, the available evidence is currently insufficient to determine the role of this variant in disease. Therefore, it has been classified as a Variant of Uncertain Significance.

Sema4
Classification: Uncertain significance for Hereditary cancer-predisposing syndrome. Last evaluated: 2022-02-22. Review status: criteria provided, single submitter. Criteria: Sema4 Curation Guidelines. Collection method: curation. Allele origin: germline.
Comment: The NBN c.1194A>C (p.Q398H) variant has been reported in an individual with breast cancer (PMID: 33471991). It was observed in 1/251016 chromosomes across all populations, in the large and broad cohorts of the Genome Aggregation Database (PMID: 32461654). The variant has been reported in ClinVar (Variation ID: 490044). In silico tools suggest the impact of the variant on protein function is benign though these predictions have not been confirmed by functional studies. The evidence is insufficient to meet ACMG/AMP criteria for classifying the variant as benign or pathogenic. Thus, the clinical significance of this variant is currently uncertain.

Genome-Nilou Lab
Classification: Uncertain significance for Microcephaly, normal intelligence and immunodeficiency. Last evaluated: 2021-11-07. Review status: criteria provided, single submitter. Criteria: ACMG Guidelines, 2015. Collection method: clinical testing. Allele origin: germline. Affected: no.

Natera, Inc.
Classification: Uncertain significance for Nijmegen breakage syndrome. Last evaluated: 2020-12-04. Review status: no assertion criteria provided. Collection method: clinical testing. Allele origin: germline. Not counted in ClinVar's aggregate classification.

Literature cited by the submitters: PubMed 33471991 (cited by Sema4).